The following is an entry in ClinVar:

ClinVar aggregate classification (germline): Uncertain significance (1 of 4 stars; one submission).

Conditions:
Hereditary cancer-predisposing syndrome. Also called: Neoplastic Syndromes, Hereditary; Tumor predisposition; Hereditary Cancer Syndrome; Hereditary neoplastic syndrome. Identifiers: Orphanet 140162, MedGen C0027672, MeSH D009386, MONDO:0015356.

Submission:

Ambry Genetics
Classification: Uncertain significance for Hereditary cancer-predisposing syndrome. Last evaluated: 2025-12-31. Review status: criteria provided, single submitter. Criteria: Ambry Variant Classification Scheme 2023. Collection method: clinical testing. Allele origin: germline.
Comment: The p.H2623D variant (also known as c.7867C>G), located in coding exon 16 of the BRCA2 gene, results from a C to G substitution at nucleotide position 7867. The histidine at codon 2623 is replaced by aspartic acid, an amino acid with similar properties. Two saturation genome editing-based studies, including a haploid cell-survival assay and a humanized mouse embryonic stem cell line assay of drug response and survival, demonstrate that this nucleotide substitution is non-functional (Huang H et al. Nature. 2025 Feb;638(8050):528-537; Sahu S et al. Nature. 2025 Feb;638(8050):538-545). This amino acid position is highly conserved in available vertebrate species. In addition, this alteration is predicted to be deleterious by in silico analysis. Based on the available evidence, the clinical significance of this variant remains unclear.

NM_000059.4(BRCA2):c.7867C>G (p.His2623Asp)

Gene: BRCA2 (BRCA2 DNA repair associated; plus strand). Cytogenetic location: 13q13.1.
Variant type: single nucleotide variant.
Coding change: c.7867C>G on transcript NM_000059.4 (MANE Select); coding-DNA position 7867, C replaced by G.
Protein change: p.His2623Asp; replaces histidine 2623 with aspartic acid.
Molecular consequence: missense variant. On other transcripts: non-coding transcript variant (1).
Genome position (GRCh38, 1-based): chr13:32,362,584, C>G. VCF-style: chr13-32362584-C-G. GRCh37 (hg19) VCF-style: chr13-32936721-C-G.
Other names: c.7771C>G, p.His2591Asp (NM_001406719.1); c.7867C>G, p.His2623Asp (NM_001406720.1, NM_001432077.1); c.2935C>G, p.His979Asp (NM_001406721.1); c.1450C>G, p.His484Asp (NM_001406722.1); short protein forms H484D, H2591D, H2623D, H979D.
Identifiers: ClinVar variation 4842962 (VCV004842962.1).